The following is an entry in ClinVar:

NM_000548.5(TSC2):c.3329C>G (p.Ala1110Gly)

Gene: TSC2 (TSC complex subunit 2; plus strand). Cytogenetic location: 16p13.3.
Variant type: single nucleotide variant.
Coding change: c.3329C>G on transcript NM_000548.5 (MANE Select); coding-DNA position 3329, C replaced by G.
Protein change: p.Ala1110Gly; replaces alanine 1110 with glycine.
Molecular consequence: missense variant.
Genome position (GRCh38, 1-based): chr16:2,079,601, C>G. VCF-style: chr16-2079601-C-G. GRCh37 (hg19) VCF-style: chr16-2129602-C-G.
Other names: c.3197C>G, p.Ala1066Gly (NM_001077183.3, NM_001370404.1); c.3329C>G, p.Ala1110Gly (NM_001114382.3); c.3089C>G, p.Ala1030Gly (NM_001318827.2); c.3053C>G, p.Ala1018Gly (NM_001318829.2); c.2597C>G, p.Ala866Gly (NM_001318831.2); c.3230C>G, p.Ala1077Gly (NM_001318832.2); c.3200C>G, p.Ala1067Gly (NM_001363528.2, NM_001370405.1, NM_021055.3); short protein forms A1110G, A1018G, A866G, A1030G, A1077G, A1066G, A1067G.
Identifiers: ClinVar variation 405981 (VCV000405981.32), dbSNP rs1060500923, ClinGen allele CA16614990.

ClinVar aggregate classification (germline): Conflicting classifications of pathogenicity. Review status: criteria provided, conflicting classifications (1 of 4 stars). 5 submissions from 5 submitters: Uncertain significance (3); Benign (1); Likely benign (1). Last evaluated 2025-12-18.

Conditions:
Hereditary cancer-predisposing syndrome. Also called: Neoplastic Syndromes, Hereditary; Hereditary neoplastic syndrome; Tumor predisposition; Hereditary Cancer Syndrome. Identifiers: Orphanet 140162, MedGen C0027672, MeSH D009386, MONDO:0015356.
Tuberous sclerosis 2 (TSC2). Identifiers: Orphanet 805, MedGen C1860707, MONDO:0013199, OMIM 613254.
Tuberous sclerosis syndrome (TSC). Also called: Tuberous Sclerosis Complex; Tuberous sclerosis. Identifiers: Orphanet 805, MedGen C0041341, MONDO:0001734.

Allele frequency attached by ClinVar (database versions not stated): gnomAD exomes below 0.00001; TOPMed below 0.00001.
gnomAD v4.1: 16 of 1,611,538 alleles (0.00099%); highest among the groups gnomAD compares: Non-Finnish European, 0.0014%; no homozygotes.

Submissions (5):

Labcorp Genetics (formerly Invitae), Labcorp
Classification: Benign for Tuberous sclerosis 2. Last evaluated: 2025-12-18. Review status: criteria provided, single submitter. Criteria: Invitae Variant Classification Sherloc (09022015). Collection method: clinical testing. Allele origin: germline.

CeGaT Center for Human Genetics Tuebingen
Classification: Likely benign. Last evaluated: 2025-04-01. Review status: criteria provided, single submitter. Criteria: CeGaT Center For Human Genetics Tuebingen Variant Classification Criteria Version 2. Collection method: clinical testing. Allele origin: germline. Affected: yes. Observed: 2 variant alleles.
Comment: TSC2: BS2

All of Us Research Program, National Institutes of Health
Classification: Uncertain significance for Tuberous sclerosis syndrome. Last evaluated: 2024-08-06. Review status: criteria provided, single submitter. Criteria: ACMG Guidelines, 2015. Collection method: clinical testing. Allele origin: germline. Inheritance: Autosomal dominant inheritance. Observed: 2 variant alleles, 2 heterozygotes.
Comment: This study involves interpretation of variants in research participants for the purpose of population health screening. Participant phenotype was not available at the time of variant classification. Additional details can be found in publication PMID: 35346344, PMCID: PMC8962531

Ambry Genetics
Classification: Uncertain significance for Hereditary cancer-predisposing syndrome. Last evaluated: 2024-01-03. Review status: criteria provided, single submitter. Criteria: Ambry Variant Classification Scheme 2023. Collection method: clinical testing. Allele origin: germline.
Comment: The p.A1110G variant (also known as c.3329C>G), located in coding exon 28 of the TSC2 gene, results from a C to G substitution at nucleotide position 3329. The alanine at codon 1110 is replaced by glycine, an amino acid with similar properties. This amino acid position is highly conserved in available vertebrate species. In addition, the in silico prediction for this alteration is inconclusive. Since supporting evidence is limited at this time, the clinical significance of this alteration remains unclear.

Genome-Nilou Lab
Classification: Uncertain significance for Tuberous sclerosis 2. Last evaluated: 2021-11-07. Review status: criteria provided, single submitter. Criteria: ACMG Guidelines, 2015. Collection method: clinical testing. Allele origin: germline. Affected: no.